The following is an entry in ClinVar:

NM_000719.7(CACNA1C):c.4765A>G (p.Ile1589Val)

Gene: CACNA1C (calcium voltage-gated channel subunit alpha1 C; plus strand). Cytogenetic location: 12p13.33.
Variant type: single nucleotide variant.
Coding change: c.4765A>G on transcript NM_000719.7 (MANE Select); coding-DNA position 4765, A replaced by G.
Protein change: p.Ile1589Val; replaces isoleucine 1589 with valine.
Molecular consequence: missense variant.
Genome position (GRCh38, 1-based): chr12:2,674,579, A>G. VCF-style: chr12-2674579-A-G. GRCh37 (hg19) VCF-style: chr12-2783745-A-G.
Other names: c.4909A>G, p.Ile1637Val (NM_001129827.2, NM_199460.4); c.4888A>G, p.Ile1630Val (NM_001129829.2); c.4765A>G, p.Ile1589Val (NM_001129830.3, NM_001129840.2, NM_001129841.2 and 4 more transcripts); c.4849A>G, p.Ile1617Val (NM_001129831.2); c.4825A>G, p.Ile1609Val (NM_001129832.2); c.4822A>G, p.Ile1608Val (NM_001129833.2, NM_001129834.2, NM_001129835.2); c.4816A>G, p.Ile1606Val (NM_001129836.2); c.4789A>G, p.Ile1597Val (NM_001129837.2, NM_001129838.2); and 3 more; short protein forms I1578V, I1586V, I1589V, I1595V, I1597V, I1606V, I1608V, I1609V.
Identifiers: ClinVar variation 3232236 (VCV003232236.1), dbSNP rs2531437370, ClinGen allele CA383377731.

ClinVar aggregate classification (germline): Uncertain significance (1 of 4 stars; one submission).

Conditions:
Cardiovascular phenotype. Identifiers: MedGen CN230736.

Allele frequency attached by ClinVar (database versions not stated): gnomAD exomes below 0.00001.
gnomAD v4.1: 2 of 1,574,590 alleles (0.00013%); highest among the groups gnomAD compares: Non-Finnish European, 0.00017%; no homozygotes.

Submission:

Ambry Genetics
Classification: Uncertain significance for Cardiovascular phenotype. Last evaluated: 2024-03-12. Review status: criteria provided, single submitter. Criteria: Ambry Variant Classification Scheme 2023. Collection method: clinical testing. Allele origin: germline.
Comment: The p.I1589V variant (also known as c.4765A>G), located in coding exon 39 of the CACNA1C gene, results from an A to G substitution at nucleotide position 4765. The isoleucine at codon 1589 is replaced by valine, an amino acid with highly similar properties. This amino acid position is well conserved in available vertebrate species. In addition, the in silico prediction for this alteration is inconclusive. Based on the available evidence, the clinical significance of this alteration remains unclear.